The following is an entry in ClinVar:

ClinVar aggregate classification (germline): Uncertain significance (1 of 4 stars; one submission).

Submission:

CeGaT Center for Human Genetics Tuebingen
Classification: Uncertain significance. Last evaluated: 2026-02-01. Review status: criteria provided, single submitter. Criteria: CeGaT Center For Human Genetics Tuebingen Variant Classification Criteria Version 2. Collection method: clinical testing. Allele origin: germline. Affected: yes. Observed: 1 variant allele.
Comment: NTRK2: PM2

NM_006180.6(NTRK2):c.823G>T (p.Asp275Tyr)

Gene: NTRK2 (neurotrophic receptor tyrosine kinase 2; plus strand). Cytogenetic location: 9q21.33.
Variant type: single nucleotide variant.
Coding change: c.823G>T on transcript NM_006180.6 (MANE Select); coding-DNA position 823, G replaced by T.
Protein change: p.Asp275Tyr; replaces aspartic acid 275 with tyrosine.
Molecular consequence: missense variant.
Genome position (GRCh38, 1-based): chr9:84,724,326, G>T. VCF-style: chr9-84724326-G-T. GRCh37 (hg19) VCF-style: chr9-87339241-G-T.
Other names: c.823G>T, p.Asp275Tyr (NM_001007097.3, NM_001018064.3, NM_001018065.2 and 18 more transcripts); c.355G>T, p.Asp119Tyr (NM_001369535.1, NM_001369536.1, NM_001369550.1 and 2 more transcripts); short protein forms D119Y, D275Y.
Identifiers: ClinVar variation 4821995 (VCV004821995.4).
Genomic context (GRCh38, chr9:84,724,326, plus strand): 5'-ATTTCATCCGATGACAGTGGGAAGCAGATCTCTTGTGTGGCGGAAAATCTTGTAGGAGAA[G>T]ATCAAGATTCTGTCAACCTCACTGTGCATTGTACGTAATCAGACTGGCATGTGTTTTTAA-3'
Protein context (NP_006171.2, residues 265-285): SCVAENLVGE[Asp275Tyr]QDSVNLTVHF